The following is an entry in ClinVar:

ClinVar aggregate classification (germline): Uncertain significance (1 of 4 stars; one submission).

Allele frequency attached by ClinVar (database versions not stated): TOPMed below 0.00001; gnomAD 0.00001; gnomAD exomes 0.00003.
gnomAD v4.1: 46 of 1,613,938 alleles (0.0029%); highest among the groups gnomAD compares: Non-Finnish European, 0.0036%; no homozygotes.

Submission:

GeneDx
Classification: Uncertain significance. Last evaluated: 2021-05-14. Review status: criteria provided, single submitter. Criteria: GeneDx Variant Classification Process June 2021. Collection method: clinical testing. Allele origin: germline. Affected: yes.
Comment: Not observed in large population cohorts (Lek et al., 2016); In silico analysis supports that this missense variant does not alter protein structure/function; Has not been previously published as pathogenic or benign to our knowledge

NM_012208.4(HARS2):c.1153A>G (p.Ile385Val)

Gene: HARS2 (histidyl-tRNA synthetase 2, mitochondrial; plus strand). Cytogenetic location: 5q31.3.
Variant type: single nucleotide variant.
Coding change: c.1153A>G on transcript NM_012208.4 (MANE Select); coding-DNA position 1153, A replaced by G.
Protein change: p.Ile385Val; replaces isoleucine 385 with valine.
Molecular consequence: missense variant.
Genome position (GRCh38, 1-based): chr5:140,697,362, A>G. VCF-style: chr5-140697362-A-G. GRCh37 (hg19) VCF-style: chr5-140076947-A-G.
Other names: c.1078A>G, p.Ile360Val (NM_001278731.2); c.721A>G, p.Ile241Val (NM_001278732.2); c.1171A>G, p.Ile391Val (NM_001363535.2); c.943A>G, p.Ile315Val (NM_001363536.2); short protein forms I241V, I315V, I360V, I385V, I391V.
Identifiers: ClinVar variation 1321767 (VCV001321767.2), dbSNP rs1331020925, ClinGen allele CA361202117.